The following is an entry in ClinVar:

NM_000397.4(CYBB):c.1297A>G (p.Asn433Asp)

Gene: CYBB (cytochrome b-245 beta chain; plus strand). Cytogenetic location: Xp11.4.
Variant type: single nucleotide variant.
Coding change: c.1297A>G on transcript NM_000397.4 (MANE Select); coding-DNA position 1297, A replaced by G.
Protein change: p.Asn433Asp; replaces asparagine 433 with aspartic acid.
Molecular consequence: missense variant.
Genome position (GRCh38, 1-based): chrX:37,805,151, A>G. VCF-style: chrX-37805151-A-G. GRCh37 (hg19) VCF-style: chrX-37664404-A-G.
Other names: short protein forms N433D.
Identifiers: ClinVar variation 1904836 (VCV001904836.5), dbSNP rs2519209958, ClinGen allele CA412977921.

ClinVar aggregate classification (germline): Uncertain significance (1 of 4 stars; one submission).

Conditions:
Granulomatous disease, chronic, X-linked. Also called: CYTOCHROME b-NEGATIVE GRANULOMATOUS DISEASE, CHRONIC, X-LINKED; GRANULOMATOUS DISEASE, CHRONIC, X-LINKED, SOMATIC MOSAIC. Identifiers: Orphanet 379, MedGen C1844376, MONDO:0010600, OMIM 306400.

Allele frequency attached by ClinVar (database versions not stated): gnomAD exomes below 0.00001.
gnomAD v4.1: 6 of 1,211,229 alleles (0.0005%); highest among the groups gnomAD compares: Non-Finnish European, 0.00056%; no homozygotes.

Submission:

Labcorp Genetics (formerly Invitae), Labcorp
Classification: Uncertain significance for Granulomatous disease, chronic, X-linked. Last evaluated: 2022-08-12. Review status: criteria provided, single submitter. Criteria: Invitae Variant Classification Sherloc (09022015). Collection method: clinical testing. Allele origin: germline.
Comment: This variant is not present in population databases (gnomAD no frequency). In summary, the available evidence is currently insufficient to determine the role of this variant in disease. Therefore, it has been classified as a Variant of Uncertain Significance. Advanced modeling of protein sequence and biophysical properties (such as structural, functional, and spatial information, amino acid conservation, physicochemical variation, residue mobility, and thermodynamic stability) performed at Invitae indicates that this missense variant is not expected to disrupt CYBB protein function. This variant has not been reported in the literature in individuals affected with CYBB-related conditions. This sequence change replaces asparagine, which is neutral and polar, with aspartic acid, which is acidic and polar, at codon 433 of the CYBB protein (p.Asn433Asp).